The following is an entry in ClinVar:

ClinVar aggregate classification (germline): Uncertain significance. Review status: criteria provided, multiple submitters, no conflicts (2 of 4 stars). 4 submissions from 4 submitters: Uncertain significance (3). 1 of the submissions does not count toward it. Last evaluated 2024-09-15.

Conditions:
Hereditary cancer-predisposing syndrome. Also called: Hereditary neoplastic syndrome; Tumor predisposition; Hereditary Cancer Syndrome; Neoplastic Syndromes, Hereditary. Identifiers: Orphanet 140162, MedGen C0027672, MeSH D009386, MONDO:0015356.
Familial adenomatous polyposis 1 (FAP1). Also called: POLYPOSIS, ADENOMATOUS INTESTINAL; FAMILIAL ADENOMATOUS POLYPOSIS 1, ATTENUATED. Identifiers: MedGen C2713442, MONDO:0021056, OMIM 175100. Disease mechanism: loss of function.
Carcinoma of colon (CRC). Also called: Colonic carcinoma; Colon carcinoma. Identifiers: MedGen C0699790, MONDO:0002032.

Allele frequency attached by ClinVar (database versions not stated): gnomAD exomes below 0.00001.

Submissions (4):

Labcorp Genetics (formerly Invitae), Labcorp
Classification: Uncertain significance for Familial adenomatous polyposis 1. Last evaluated: 2024-09-15. Review status: criteria provided, single submitter. Criteria: Invitae Variant Classification Sherloc (09022015). Collection method: clinical testing. Allele origin: germline.
Comment: This sequence change replaces methionine, which is neutral and non-polar, with valine, which is neutral and non-polar, at codon 18 of the APC protein (p.Met18Val). This variant is not present in population databases (gnomAD no frequency). This variant has not been reported in the literature in individuals affected with APC-related conditions. ClinVar contains an entry for this variant (Variation ID: 142353). Invitae Evidence Modeling of protein sequence and biophysical properties (such as structural, functional, and spatial information, amino acid conservation, physicochemical variation, residue mobility, and thermodynamic stability) indicates that this missense variant is not expected to disrupt APC protein function with a negative predictive value of 95%. In summary, the available evidence is currently insufficient to determine the role of this variant in disease. Therefore, it has been classified as a Variant of Uncertain Significance.

Ambry Genetics
Classification: Uncertain significance for Hereditary cancer-predisposing syndrome. Last evaluated: 2024-03-01. Review status: criteria provided, single submitter. Criteria: Ambry Variant Classification Scheme 2023. Collection method: clinical testing. Allele origin: germline.
Comment: The p.M18V variant (also known as c.52A>G), located in coding exon 1 of the APC gene, results from an A to G substitution at nucleotide position 52. The methionine at codon 18 is replaced by valine, an amino acid with highly similar properties. This amino acid position is highly conserved in available vertebrate species. In addition, in silico predictors for this gene do not accurately predict pathogenicity. Since supporting evidence is limited at this time, the clinical significance of this alteration remains unclear.

Color Diagnostics, LLC DBA Color Health
Classification: Uncertain significance for Hereditary cancer-predisposing syndrome. Last evaluated: 2019-05-29. Review status: criteria provided, single submitter. Criteria: ACMG Guidelines, 2015. Collection method: clinical testing. Allele origin: germline.

Department of Pathology and Laboratory Medicine, Sinai Health System
Classification: Uncertain significance for Carcinoma of colon. Review status: no assertion criteria provided. Collection method: clinical testing. Allele origin: unknown. Affected: yes. Study: The Canadian Open Genetics Repository (COGR). Not counted in ClinVar's aggregate classification.
Comment: The APC p.Met18Val variant was not identified in the literature. The variant was identified in dbSNP (ID#: rs587782402) as â€šÃ„ÃºUncertain Significanceâ€šÃ„Ã¹, Clinvitae, and the ClinVar database (classified as â€šÃ„Ãºuncertain significanceâ€šÃ„Ã¹, by Ambry Genetics). The variant was not identified in the Exome Aggregation Consortium, the NHLBI GO Exome Sequencing Project, COSMIC, InSiGHT Colon Cancer Gene Variant Database (LOVD), Zhejiang Colon Cancer Database (LOVD), GeneInsight - COGR database, and UMD. The p.Met18 residue is conserved in mammals and computational analyses (PolyPhen-2, SIFT, AlignGVGD, BLOSUM, MutationTaster) provide inconsistent predictions regarding the impact to the protein; this information is not very predictive of pathogenicity. The variant occurs outside of the splicing consensus sequence and 2 out of 5 in silico or computational prediction software programs (SpliceSiteFinder, MaxEntScan, NNSPLICE, GeneSplicer, HumanSpliceFinder) predict a greater than 10% difference in splicing. In summary, based on the above information, the clinical significance of this variant cannot be determined with certainty at this time. This variant is classified as a variant of uncertain significance.

NM_000038.6(APC):c.52A>G (p.Met18Val)

Gene: APC (APC regulator of Wnt signaling pathway; plus strand). Cytogenetic location: 5q22.2.
Variant type: single nucleotide variant.
Coding change: c.52A>G on transcript NM_000038.6 (MANE Select); coding-DNA position 52, A replaced by G.
Protein change: p.Met18Val; replaces methionine 18 with valine.
Molecular consequence: missense variant. On other transcripts: 5 prime UTR variant (1), intron variant (8).
Genome position (GRCh38, 1-based): chr5:112,754,942, A>G. VCF-style: chr5-112754942-A-G. GRCh37 (hg19) VCF-style: chr5-112090639-A-G.
Other names: c.52A>G, p.Met18Val (NM_001127510.3, NM_001354895.2, NM_001354896.2 and 2 more transcripts); c.-984A>G (NM_001354906.2); c.166-11384A>G (NM_001354897.2, NM_001354902.2, NM_001127511.3); c.61-11384A>G (NM_001354898.2, NM_001354904.2); c.-42-11384A>G (NM_001354900.2, NM_001354901.2, NM_001354905.2); short protein forms M18V.
Identifiers: ClinVar variation 142353 (VCV000142353.18), dbSNP rs587782402, ClinGen allele CA010033.